The following is an entry in ClinVar:

NM_000138.5(FBN1):c.697C>T (p.Arg233Cys)

Gene: FBN1 (fibrillin 1; minus strand). Cytogenetic location: 15q21.1.
Variant type: single nucleotide variant.
Coding change: c.697C>T on transcript NM_000138.5 (MANE Select); coding-DNA position 697, C replaced by T.
Protein change: p.Arg233Cys; replaces arginine 233 with cysteine.
Molecular consequence: missense variant.
Genome position (GRCh38, 1-based): chr15:48,537,650, G>A on the plus strand (C>T on the coding strand, the complement: FBN1 is on the minus strand). VCF-style: chr15-48537650-G-A. GRCh37 (hg19) VCF-style: chr15-48829847-G-A.
Other names: short protein forms R233C.
Identifiers: ClinVar variation 42415 (VCV000042415.15), dbSNP rs397515841, ClinGen allele CA016882.

ClinVar aggregate classification (germline): Conflicting classifications of pathogenicity. Review status: criteria provided, conflicting classifications (1 of 4 stars). 5 submissions from 5 submitters: Likely pathogenic (1); Uncertain significance (4). Last evaluated 2025-11-27.

Conditions:
Marfan syndrome (MFS). Also called: FBN1-Related Marfan Syndrome; Marfan syndrome, classic; MARFAN SYNDROME, TYPE I; Marfan syndrome type 1; Marfan's syndrome. Identifiers: Orphanet 284963, Orphanet 558, MedGen C0024796, MONDO:0007947, OMIM 154700.
Progeroid and marfanoid aspect-lipodystrophy syndrome. Also called: MARFANOID-PROGEROID-LIPODYSTROPHY SYNDROME; Marfan lipodystrophy syndrome; MARFANOID-PROGEROID SYNDROME; MARFAN-PROGEROID-LIPODYSTROPHY SYNDROME. Identifiers: Orphanet 300382, MedGen C4310796, MONDO:0014831, OMIM 616914.
MASS syndrome (OCTD). Also called: MASS PHENOTYPE; OVERLAP CONNECTIVE TISSUE DISEASE. Identifiers: MedGen C1858556, MONDO:0011431, OMIM 604308.
Geleophysic dysplasia 2 (GPHYSD2). Identifiers: Orphanet 2623, MedGen C3280054, MONDO:0013612, OMIM 614185.
Stiff skin syndrome (SSKS). Identifiers: Orphanet 2833, MedGen C1861456, MONDO:0008492, OMIM 184900.
Ectopia lentis 1, isolated, autosomal dominant (ECTOL1). Identifiers: Orphanet 1885, MedGen C3541518, MONDO:0007514, OMIM 129600.
Weill-Marchesani syndrome 2, dominant. Also called: Weill-Marchesani Syndrome, Autosomal Dominant; FBN1-Related Weill-Marchesani Syndrome. Identifiers: Orphanet 2084, MedGen C1869115, MONDO:0012013, OMIM 608328.
Acromicric dysplasia (ACMICD). Also called: Acromicric skeletal dysplasia. Identifiers: Orphanet 969, MedGen C0265287, MONDO:0007055, OMIM 102370.
Familial thoracic aortic aneurysm and aortic dissection (TAAD). Also called: Thoracic aortic aneurysms and dissections. Identifiers: Orphanet 91387, MedGen C4707243, MONDO:0019625.

gnomAD v4.1: 4 of 1,614,214 alleles (0.00025%); highest among the groups gnomAD compares: South Asian, 0.0033%; no homozygotes.

Submissions (5):

Dasa
Classification: Uncertain significance for Marfan syndrome. Last evaluated: 2025-11-27. Review status: criteria provided, single submitter. Criteria: DASA Assertion Criteria. Collection method: clinical testing. Allele origin: germline.
Comment: NM_000138.5(FBN1):c.697C>T (p.Arg233Cys) is a missense variant that results in the substitution of arginine with cysteine. The affected residue or protein region has prior evidence supporting clinical relevance. Published studies describe this variant in association with related phenotype (PMID: 26272055). Also, this variant is rare in population databases. Computational prediction algorithms are consistent with a deleterious effect. The currently available literature and clinical evidence are not sufficient to establish a definitive association between this variant and the reported condition. Therefore, this variant is classified as a variant of uncertain significance.

Labcorp Genetics (formerly Invitae), Labcorp
Classification: Likely pathogenic for Marfan syndrome; Familial thoracic aortic aneurysm and aortic dissection. Last evaluated: 2024-05-15. Review status: criteria provided, single submitter. Criteria: Invitae Variant Classification Sherloc (09022015). Collection method: clinical testing. Allele origin: germline.
Comment: This sequence change replaces arginine, which is basic and polar, with cysteine, which is neutral and slightly polar, at codon 233 of the FBN1 protein (p.Arg233Cys). This variant is not present in population databases (gnomAD no frequency). This missense change has been observed in individuals with thoracic aortic aneurysm or Marfan syndrome (Invitae). ClinVar contains an entry for this variant (Variation ID: 42415). Advanced modeling of protein sequence and biophysical properties (such as structural, functional, and spatial information, amino acid conservation, physicochemical variation, residue mobility, and thermodynamic stability) performed at Invitae indicates that this missense variant is expected to disrupt FBN1 protein function with a positive predictive value of 95%. This variant disrupts the p.Arg233 amino acid residue in FBN1. Other variant(s) that disrupt this residue have been observed in individuals with FBN1-related conditions (PMID: 26272055), which suggests that this may be a clinically significant amino acid residue. In summary, the currently available evidence indicates that the variant is pathogenic, but additional data are needed to prove that conclusively. Therefore, this variant has been classified as Likely Pathogenic.

All of Us Research Program, National Institutes of Health
Classification: Uncertain significance for Marfan syndrome. Last evaluated: 2023-03-28. Review status: criteria provided, single submitter. Criteria: ACMG Guidelines, 2015. Collection method: clinical testing. Allele origin: germline. Inheritance: Autosomal dominant inheritance. Observed: 1 variant allele, 1 heterozygote.
Comment: This study involves interpretation of variants in research participants for the purpose of population health screening. Participant phenotype was not available at the time of variant classification. Additional details can be found in publication PMID: 35346344, PMCID: PMC8962531

Laboratory for Molecular Medicine, Mass General Brigham Personalized Medicine
Classification: Uncertain significance. Last evaluated: 2022-12-01. Review status: criteria provided, single submitter. Criteria: ACMG Guidelines, 2015. Collection method: clinical testing. Allele origin: germline.
Comment: It has also been reported in one individual with aortic aneurysm (Invitae ClinVar entry). It was absent from large population studies. This variant has also been reported in ClinVar (Variation ID 42415). Computational prediction tools and conservation analyses suggest that this variant may impact the protein, though this information is not predictive enough to determine pathogenicity. In summary, while there is some suspicion for a pathogenic role, the clinical significance of this variant is uncertain. ACMG/AMP Criteria applied: PS4_Supporting, PM2_Supporting, PP1, PP3.

Fulgent Genetics
Classification: Uncertain significance for Acromicric dysplasia; Ectopia lentis 1, isolated, autosomal dominant; Marfan syndrome; Stiff skin syndrome; MASS syndrome; Weill-Marchesani syndrome 2, dominant; Geleophysic dysplasia 2; Progeroid and marfanoid aspect-lipodystrophy syndrome. Last evaluated: 2021-07-22. Review status: criteria provided, single submitter. Criteria: ACMG Guidelines, 2015. Collection method: clinical testing. Allele origin: unknown.

Literature cited by the submitters: PubMed 26272055 (cited by Dasa and Labcorp Genetics (formerly Invitae), Labcorp); PubMed 20591885 (cited by Laboratory for Molecular Medicine, Mass General Brigham Personalized Medicine).